The following is an entry in ClinVar:

ClinVar aggregate classification (germline): Likely pathogenic (1 of 4 stars; one submission).

Submission:

Labcorp Genetics (formerly Invitae), Labcorp
Classification: Likely pathogenic. Last evaluated: 2022-06-27. Review status: criteria provided, single submitter. Criteria: Invitae Variant Classification Sherloc (09022015). Collection method: clinical testing. Allele origin: germline.
Comment: This sequence change affects a donor splice site in intron 39 of the MYO7A gene. It is expected to disrupt RNA splicing. Variants that disrupt the donor or acceptor splice site typically lead to a loss of protein function (PMID: 16199547), and loss-of-function variants in MYO7A are known to be pathogenic (PMID: 8900236, 25404053). This variant is not present in population databases (gnomAD no frequency). Disruption of this splice site has been observed in individual(s) with Usher syndrome (PMID: 18181211). Algorithms developed to predict the effect of sequence changes on RNA splicing suggest that this variant may disrupt the consensus splice site. In summary, the currently available evidence indicates that the variant is pathogenic, but additional data are needed to prove that conclusively. Therefore, this variant has been classified as Likely Pathogenic.

Literature cited by the submitters: PubMed 16199547; PubMed 8900236; PubMed 25404053; PubMed 18181211.

NM_000260.4(MYO7A):c.5480+2T>C

Gene: MYO7A (myosin VIIA; plus strand). Cytogenetic location: 11q13.5.
Variant type: single nucleotide variant.
Coding change: c.5480+2T>C on transcript NM_000260.4 (MANE Select); the canonical splice donor site of the intron after coding-DNA position 5480, T replaced by C.
Molecular consequence: splice donor variant.
Genome position (GRCh38, 1-based): chr11:77,204,231, T>C. VCF-style: chr11-77204231-T-C. GRCh37 (hg19) VCF-style: chr11-76915276-T-C.
Other names: c.5333+2T>C (NM_001369365.1); c.5366+2T>C (NM_001127180.2).
Identifiers: ClinVar variation 1485554 (VCV001485554.6), dbSNP rs2135722358, ClinGen allele CA381952825.